The following is an entry in ClinVar:

NM_181872.6(DMRT2):c.504_505delinsAA (p.Leu168_Arg169=)

Gene: DMRT2 (doublesex and mab-3 related transcription factor 2; plus strand). Cytogenetic location: 9p24.3.
Variant type: Indel.
Coding change: c.504_505delinsAA on transcript NM_181872.6 (MANE Select); coding-DNA positions 504 to 505, CC replaced by AA.
Protein change: p.Leu168_Arg169=.
Molecular consequence: synonymous variant. On other transcripts: 5 prime UTR variant (1), non-coding transcript variant (1).
Genome position (GRCh38, 1-based): chr9:1,052,117-1,052,118, CC replaced by AA. VCF-style: chr9-1052117-CC-AA. GRCh37 (hg19) VCF-style: chr9-1052117-CC-AA.
Other names: c.504_505delinsAA, p.Leu168_Arg169= (NM_001130865.3, NM_001370531.1, NM_001370533.1 and 4 more transcripts); c.-147_-146delinsAA (NM_001370532.1).
Identifiers: ClinVar variation 2698611 (VCV002698611.3), dbSNP rs2488584181, ClinGen allele CA2697550266.

ClinVar aggregate classification (germline): Uncertain significance (1 of 4 stars; one submission).

Submission:

Labcorp Genetics (formerly Invitae), Labcorp
Classification: Uncertain significance. Last evaluated: 2023-11-24. Review status: criteria provided, single submitter. Criteria: Invitae Variant Classification Sherloc (09022015). Collection method: clinical testing. Allele origin: germline.
Comment: This sequence change affects codon 168 of the DMRT2 mRNA. It is a 'silent' change, meaning that it does not change the encoded amino acid sequence of the DMRT2 protein. Information on the frequency of this variant in the gnomAD database is not available, as this variant may be reported differently in the database. This variant has not been reported in the literature in individuals affected with DMRT2-related conditions. Experimental studies and prediction algorithms are not available or were not evaluated, and the functional significance of this variant is currently unknown. In summary, the available evidence is currently insufficient to determine the role of this variant in disease. Therefore, it has been classified as a Variant of Uncertain Significance.